The following is an entry in ClinVar:

ClinVar aggregate classification (germline): Likely pathogenic (1 of 4 stars; one submission).

Conditions:
Benign familial hematuria. Also called: thin basement membrane disease. Identifiers: MedGen C0241908, MONDO:0957317.

Submission:

Molecular Medicine Center, Medical University of Sofia
Classification: Likely pathogenic for Hematuria, benign familial, 1. Last evaluated: 2019-06-12. Review status: criteria provided, single submitter. Criteria: ACMG Guidelines, 2015. Collection method: clinical testing. Allele origin: unknown. Inheritance: Autosomal dominant inheritance. Affected: yes. Observed: 1 heterozygote.

NM_000092.5(COL4A4):c.719G>A (p.Gly240Glu)

Gene: COL4A4 (collagen type IV alpha 4 chain; minus strand). Cytogenetic location: 2q36.3.
Variant type: single nucleotide variant.
Coding change: c.719G>A on transcript NM_000092.5 (MANE Select); coding-DNA position 719, G replaced by A.
Protein change: p.Gly240Glu; replaces glycine 240 with glutamic acid.
Molecular consequence: missense variant.
Genome position (GRCh38, 1-based): chr2:227,108,597, C>T on the plus strand (G>A on the coding strand, the complement: COL4A4 is on the minus strand). VCF-style: chr2-227108597-C-T. GRCh37 (hg19) VCF-style: chr2-227973313-C-T.
Other names: short protein forms G240E.
Identifiers: ClinVar variation 635012 (VCV000635012.2), dbSNP rs1559643753, ClinGen allele CA350859229.
Genomic context (GRCh38, chr2:227,108,597, plus strand): 5'-ACACACGTCACCATCTGCTCCTCAGAGCAAGAGGGAATTCTTACCGGGTCTCCCATTTGC[C>T]CCTTTACTCCCACACCGGGATTTCCCTGAGAAAGAAATGAAAAAGAATCTAATTGCTTTT-3'
Protein context (NP_000083.3, residues 230-250): LKGNPGVGVK[Gly240Glu]QMGDPGEVGQ